The following is an entry in ClinVar:

NM_001271.4(CHD2):c.2123C>A (p.Ser708Tyr)

Gene: CHD2 (chromodomain helicase DNA binding protein 2; plus strand). Cytogenetic location: 15q26.1.
Variant type: single nucleotide variant.
Coding change: c.2123C>A on transcript NM_001271.4 (MANE Select); coding-DNA position 2123, C replaced by A.
Protein change: p.Ser708Tyr; replaces serine 708 with tyrosine.
Molecular consequence: missense variant.
Genome position (GRCh38, 1-based): chr15:92,967,447, C>A. VCF-style: chr15-92967447-C-A. GRCh37 (hg19) VCF-style: chr15-93510677-C-A.
Other names: short protein forms S708Y.
Identifiers: ClinVar variation 4527625 (VCV004527625.2).

ClinVar aggregate classification (germline): Uncertain significance (1 of 4 stars; one submission).

Submission:

GeneDx
Classification: Uncertain significance. Last evaluated: 2026-10-13. Review status: criteria provided, single submitter. Criteria: GeneDx Variant Classification Process June 2021. Collection method: clinical testing. Allele origin: germline.
Comment: Not observed at significant frequency in large population cohorts (gnomAD); In silico analysis supports that this missense variant has a deleterious effect on protein structure/function; Has not been previously published as pathogenic or benign to our knowledge